The following is an entry in ClinVar:

NM_001042492.3(NF1):c.6515C>G (p.Ser2172Ter)

Gene: NF1 (neurofibromin 1; plus strand). Cytogenetic location: 17q11.2.
Variant type: single nucleotide variant.
Coding change: c.6515C>G on transcript NM_001042492.3 (MANE Select); coding-DNA position 6515, C replaced by G.
Protein change: p.Ser2172Ter; replaces serine 2172 with a stop codon.
Molecular consequence: nonsense.
Genome position (GRCh38, 1-based): chr17:31,337,455, C>G. VCF-style: chr17-31337455-C-G. GRCh37 (hg19) VCF-style: chr17-29664473-C-G.
Other names: c.6452C>G, p.Ser2151Ter (NM_000267.4); short protein forms S2151*, S2172*.
Identifiers: ClinVar variation 860326 (VCV000860326.6), dbSNP rs2069704915, ClinGen allele CA399013184.
Genomic context (GRCh38, chr17:31,337,455, plus strand): 5'-GTCTGACAGAGTTCTCATTACCCAAATTTTACTTGCTGTTTGGCATTAGCAAAGTCAAGT[C>G]AGCTGCTGTCATTGCCTTCCGTTCCAGTTACCGGGACAGGTCATTCTCTCCTGGCTCCTA-3'

ClinVar aggregate classification (germline): Pathogenic (1 of 4 stars; one submission).

Conditions:
Neurofibromatosis, type 1 (NF1). Also called: Neurofibromatosis, type I; VON RECKLINGHAUSEN DISEASE; Peripheral type neurofibromatosis; NEUROFIBROMATOSIS, TYPE I, SOMATIC. Identifiers: Orphanet 636, MedGen C0027831, MONDO:0018975, OMIM 162200. Disease mechanism: loss of function.

Submission:

Labcorp Genetics (formerly Invitae), Labcorp
Classification: Pathogenic for Neurofibromatosis, type 1. Last evaluated: 2023-11-17. Review status: criteria provided, single submitter. Criteria: Invitae Variant Classification Sherloc (09022015). Collection method: clinical testing. Allele origin: germline.
Comment: This sequence change creates a premature translational stop signal (p.Ser2151*) in the NF1 gene. It is expected to result in an absent or disrupted protein product. Loss-of-function variants in NF1 are known to be pathogenic (PMID: 10712197, 23913538). This variant is not present in population databases (gnomAD no frequency). This variant has not been reported in the literature in individuals affected with NF1-related conditions. ClinVar contains an entry for this variant (Variation ID: 860326). For these reasons, this variant has been classified as Pathogenic.

Literature cited by the submitters: PubMed 10712197; PubMed 23913538.